The following is an entry in ClinVar:

NM_020822.3(KCNT1):c.2122C>A (p.Pro708Thr)

Gene: KCNT1 (potassium sodium-activated channel subfamily T member 1; plus strand). Cytogenetic location: 9q34.3.
Variant type: single nucleotide variant.
Coding change: c.2122C>A on transcript NM_020822.3 (MANE Select); coding-DNA position 2122, C replaced by A.
Protein change: p.Pro708Thr; replaces proline 708 with threonine.
Molecular consequence: missense variant.
Genome position (GRCh38, 1-based): chr9:135,772,828, C>A. VCF-style: chr9-135772828-C-A. GRCh37 (hg19) VCF-style: chr9-138664674-C-A.
Other names: c.1987C>A, p.Pro663Thr (NM_001272003.2); short protein forms P708T, P663T.
Identifiers: ClinVar variation 1438906 (VCV001438906.7), dbSNP rs892635002, ClinGen allele CA375510694.
Genomic context (GRCh38, chr9:135,772,828, plus strand): 5'-GGTGGGGGCGGGGGCAGCAAGCTGGCACTGCCCACGGAGAACGGCTCGGGCAGCCGGCGG[C>A]CCAGCATCGCGCCCGTCCTGGAACTGGCCGACAGCTCAGCCCTGCTGCCCTGCGACCTGC-3'
Protein context (NP_065873.2, residues 698-718): PTENGSGSRR[Pro708Thr]SIAPVLELAD

ClinVar aggregate classification (germline): Uncertain significance. Review status: criteria provided, multiple submitters, no conflicts (2 of 4 stars). 2 submissions from 2 submitters: Uncertain significance (2). Last evaluated 2025-04-08.

Conditions:
Developmental and epileptic encephalopathy, 14 (DEE14). Also called: Early infantile epileptic encephalopathy 14. Identifiers: Orphanet 293181, MedGen C3554195, MONDO:0013989, OMIM 614959.
Autosomal dominant nocturnal frontal lobe epilepsy 5. Also called: KCNT1-Related Epilepsy; CILIARY DYSKINESIA, PRIMARY, 28, WITH SITUS INVERSUS; Epilepsy, nocturnal frontal lobe, 5; CILIARY DYSKINESIA, PRIMARY, 28, WITHOUT SITUS INVERSUS. Identifiers: Orphanet 98784, MedGen C3554306, MONDO:0014002, OMIM 615005.

Allele frequency attached by ClinVar (database versions not stated): gnomAD exomes below 0.00001.
gnomAD v4.1: 5 of 1,530,480 alleles (0.00033%); highest among the groups gnomAD compares: African/African-American, 0.0055%; no homozygotes.

Submissions (2):

Labcorp Genetics (formerly Invitae), Labcorp
Classification: Uncertain significance for Autosomal dominant nocturnal frontal lobe epilepsy 5; Developmental and epileptic encephalopathy, 14. Last evaluated: 2025-04-08. Review status: criteria provided, single submitter. Criteria: Invitae Variant Classification Sherloc (09022015). Collection method: clinical testing. Allele origin: germline.
Comment: This sequence change replaces proline, which is neutral and non-polar, with threonine, which is neutral and polar, at codon 708 of the KCNT1 protein (p.Pro708Thr). The frequency data for this variant in the population databases is considered unreliable, as metrics indicate poor data quality at this position in the gnomAD database. This variant has not been reported in the literature in individuals affected with KCNT1-related conditions. ClinVar contains an entry for this variant (Variation ID: 1438906). Invitae Evidence Modeling of protein sequence and biophysical properties (such as structural, functional, and spatial information, amino acid conservation, physicochemical variation, residue mobility, and thermodynamic stability) indicates that this missense variant is not expected to disrupt KCNT1 protein function with a negative predictive value of 80%. In summary, the available evidence is currently insufficient to determine the role of this variant in disease. Therefore, it has been classified as a Variant of Uncertain Significance.

GeneDx
Classification: Uncertain significance. Last evaluated: 2022-06-08. Review status: criteria provided, single submitter. Criteria: GeneDx Variant Classification Process June 2021. Collection method: clinical testing. Allele origin: germline. Affected: yes.
Comment: In silico analysis supports that this missense variant has a deleterious effect on protein structure/function; Has not been previously published as pathogenic or benign to our knowledge